The following is an entry in ClinVar:

NM_014918.5(CHSY1):c.2219T>C (p.Val740Ala)

Gene: CHSY1 (chondroitin sulfate synthase 1; minus strand). Cytogenetic location: 15q26.3.
Variant type: single nucleotide variant.
Coding change: c.2219T>C on transcript NM_014918.5 (MANE Select); coding-DNA position 2219, T replaced by C.
Protein change: p.Val740Ala; replaces valine 740 with alanine.
Molecular consequence: missense variant.
Genome position (GRCh38, 1-based): chr15:101,177,578, A>G on the plus strand (T>C on the coding strand, the complement: CHSY1 is on the minus strand). VCF-style: chr15-101177578-A-G. GRCh37 (hg19) VCF-style: chr15-101717783-A-G.
Other names: c.2219T>C (NM_014918.4); short protein forms V740A.
Identifiers: ClinVar variation 2136978 (VCV002136978.5), dbSNP rs750900053, ClinGen allele CA7762400.
Genomic context (GRCh38, chr15:101,177,578, plus strand): 5'-TACTGTTTGGGGTCAAGATTGGGATCACAAAAGACAGGATGGTGGACGTGGACTACTCCT[A>G]CTTCCTGGCTCCTAAACGTCTTCAAACCTGCCTGGACAACCTTGTTGAAAAGGTCCACAT-3'
Protein context (NP_055733.2, residues 730-750): AGLKTFRSQE[Val740Ala]GVVHVHHPVF

ClinVar aggregate classification (germline): Uncertain significance. Review status: criteria provided, multiple submitters, no conflicts (2 of 4 stars). 2 submissions from 2 submitters: Uncertain significance (2). Last evaluated 2026-02-02.

Conditions:
Inborn genetic diseases. Identifiers: MedGen C0950123, MeSH D030342.
Temtamy preaxial brachydactyly syndrome (TPBS). Identifiers: Orphanet 363417, MedGen C1854466, MONDO:0011533, OMIM 605282.

Allele frequency attached by ClinVar (database versions not stated): gnomAD 0.00001; TOPMed 0.00001; gnomAD exomes 0.00002; ExAC 0.00003.
gnomAD v4.1: 10 of 1,614,004 alleles (0.00062%); highest among the groups gnomAD compares: Admixed American, 0.017%; no homozygotes.

Submissions (2):

Labcorp Genetics (formerly Invitae), Labcorp
Classification: Uncertain significance for Temtamy preaxial brachydactyly syndrome. Last evaluated: 2026-02-02. Review status: criteria provided, single submitter. Criteria: Invitae Variant Classification Sherloc (09022015). Collection method: clinical testing. Allele origin: germline.
Comment: This sequence change replaces valine, which is neutral and non-polar, with alanine, which is neutral and non-polar, at codon 740 of the CHSY1 protein (p.Val740Ala). This variant is present in population databases (rs750900053, gnomAD 0.02%). This variant has not been reported in the literature in individuals affected with CHSY1-related conditions. ClinVar contains an entry for this variant (Variation ID: 2136978). Invitae Evidence Modeling of protein sequence and biophysical properties (such as structural, functional, and spatial information, amino acid conservation, physicochemical variation, residue mobility, and thermodynamic stability) indicates that this missense variant is not expected to disrupt CHSY1 protein function with a negative predictive value of 80%. In summary, the available evidence is currently insufficient to determine the role of this variant in disease. Therefore, it has been classified as a Variant of Uncertain Significance.

Ambry Genetics
Classification: Uncertain significance for Inborn genetic diseases. Last evaluated: 2024-12-24. Review status: criteria provided, single submitter. Criteria: Ambry Variant Classification Scheme 2023. Collection method: clinical testing. Allele origin: germline.